The following is an entry in ClinVar:

ClinVar aggregate classification (germline): Uncertain significance (1 of 4 stars; one submission).

Conditions:
Cardiovascular phenotype. Identifiers: MedGen CN230736.

Submission:

Ambry Genetics
Classification: Uncertain significance for Cardiovascular phenotype. Last evaluated: 2023-06-05. Review status: criteria provided, single submitter. Criteria: Ambry Variant Classification Scheme 2023. Collection method: clinical testing. Allele origin: germline.
Comment: The p.Q602P variant (also known as c.1805A>C), located in coding exon 13 of the ABCA1 gene, results from an A to C substitution at nucleotide position 1805. The glutamine at codon 602 is replaced by proline, an amino acid with similar properties. This amino acid position is conserved. In addition, this alteration is predicted to be deleterious by in silico analysis. Since supporting evidence is limited at this time, the clinical significance of this alteration remains unclear.

NM_005502.4(ABCA1):c.1805A>C (p.Gln602Pro)

Gene: ABCA1 (ATP binding cassette subfamily A member 1; minus strand). Cytogenetic location: 9q31.1.
Variant type: single nucleotide variant.
Coding change: c.1805A>C on transcript NM_005502.4 (MANE Select); coding-DNA position 1805, A replaced by C.
Protein change: p.Gln602Pro; replaces glutamine 602 with proline.
Molecular consequence: missense variant.
Genome position (GRCh38, 1-based): chr9:104,831,012, T>G on the plus strand (A>C on the coding strand, the complement: ABCA1 is on the minus strand). VCF-style: chr9-104831012-T-G. GRCh37 (hg19) VCF-style: chr9-107593293-T-G.
Other names: short protein forms Q602P.
Identifiers: ClinVar variation 2568293 (VCV002568293.2), dbSNP rs2538177097, ClinGen allele CA374322953.